The following is an entry in ClinVar:

ClinVar aggregate classification (germline): Uncertain significance. Review status: criteria provided, multiple submitters, no conflicts (2 of 4 stars). 2 submissions from 2 submitters: Uncertain significance (2). Last evaluated 2022-03-29.

Conditions:
Inborn genetic diseases. Identifiers: MedGen C0950123, MeSH D030342.
Intellectual developmental disorder with seizures and language delay (IDDSELD). Identifiers: MedGen C5436574, MONDO:0033559, OMIM 619000.

Allele frequency attached by ClinVar (database versions not stated): gnomAD exomes 0.00001; TOPMed 0.00002; gnomAD 0.00003.
gnomAD v4.1: 17 of 1,550,728 alleles (0.0011%); highest among the groups gnomAD compares: Admixed American, 0.002%; no homozygotes.

Submissions (2):

Ambry Genetics
Classification: Uncertain significance for Inborn genetic diseases. Last evaluated: 2022-03-29. Review status: criteria provided, single submitter. Criteria: Ambry Variant Classification Scheme 2023. Collection method: clinical testing. Allele origin: germline.

New York Genome Center
Classification: Uncertain significance for Intellectual developmental disorder with seizures and language delay. Last evaluated: 2021-01-29. Review status: criteria provided, single submitter. Criteria: NYGC Assertion Criteria 2020. Collection method: clinical testing. Allele origin: germline. Observed: 1 heterozygote. Study: CSER-NYCKidSeq.
Comment: The c.3331A>G (p.Ser1111Gly) variant identified in the SETD1B gene substitutes a moderately conserved Serine for Glycine at amino acid 1111/1967 (exon 10/17). This variant is found with low frequency in gnomAD(v3.1) (4 heterozygotes, 0 homozygotes; allele frequency: 2.63e-5) suggesting it is not a common benign variant in the populations represented in that database. In silico algorithms predict this variant to be Damaging (SIFT; score:0.00) and Benign (REVEL; score:0.043) to the function of the canonical transcript. This variant is absent from ClinVar and to our current knowledge has not been reported in affected individuals in the literature. The p.Ser1111 residue is not within a mapped domain of SETD1B (UniProtKB:Q9UPS6). Given the lack of compelling evidence for its pathogenicity, the c.3331A>G (p.Ser1111Gly) variant identified in the SETD1B gene is reported as a Variant of Uncertain Significance.

NM_001353345.2(SETD1B):c.3331A>G (p.Ser1111Gly)

Gene: SETD1B (SET domain containing 1B, histone lysine methyltransferase; plus strand). Cytogenetic location: 12q24.31.
Variant type: single nucleotide variant.
Coding change: c.3331A>G on transcript NM_001353345.2 (MANE Select); coding-DNA position 3331, A replaced by G.
Protein change: p.Ser1111Gly; replaces serine 1111 with glycine.
Molecular consequence: missense variant.
Genome position (GRCh38, 1-based): chr12:121,817,817, A>G. VCF-style: chr12-121817817-A-G. GRCh37 (hg19) VCF-style: chr12-122255723-A-G.
Other names: NM_015048.1:c.3202A>G; short protein forms S1111G.
Identifiers: ClinVar variation 1341790 (VCV001341790.4), dbSNP rs1157590683, ClinGen allele CA386996644.